The following is an entry in ClinVar:

ClinVar aggregate classification (germline): Uncertain significance (1 of 4 stars; one submission).

Conditions:
Hepatic methionine adenosyltransferase deficiency. Also called: Methionine adenosyltransferase deficiency; Isolated Persistent Hypermethioninemia; MAT I/III DEFICIENCY; Deficiency of methionine adenosyltransferase. Identifiers: Orphanet 168598, MedGen C0268621, MeSH C564683, MONDO:0009607, OMIM 250850.

Allele frequency attached by ClinVar (database versions not stated): TOPMed below 0.00001; gnomAD 0.00001; gnomAD exomes 0.00001.

Submission:

Labcorp Genetics (formerly Invitae), Labcorp
Classification: Uncertain significance for Hepatic methionine adenosyltransferase deficiency. Last evaluated: 2022-01-15. Review status: criteria provided, single submitter. Criteria: Invitae Variant Classification Sherloc (09022015). Collection method: clinical testing. Allele origin: germline.
Comment: This variant is not present in population databases (gnomAD no frequency). This sequence change falls in intron 7 of the MAT1A gene. It does not directly change the encoded amino acid sequence of the MAT1A protein. This variant has been observed in individual(s) with clinical features of hypermethioninemia (Invitae). Algorithms developed to predict the effect of sequence changes on RNA splicing suggest that this variant may disrupt the consensus splice site. In summary, the available evidence is currently insufficient to determine the role of this variant in disease. Therefore, it has been classified as a Variant of Uncertain Significance.

NM_000429.3(MAT1A):c.952-5G>A

Gene: MAT1A (methionine adenosyltransferase 1A; minus strand). Cytogenetic location: 10q22.3.
Variant type: single nucleotide variant.
Coding change: c.952-5G>A on transcript NM_000429.3 (MANE Select); 5 bases into the intron before coding-DNA position 952, G replaced by A.
Molecular consequence: intron variant.
Genome position (GRCh38, 1-based): chr10:80,274,658, C>T on the plus strand (G>A on the coding strand, the complement: MAT1A is on the minus strand). VCF-style: chr10-80274658-C-T. GRCh37 (hg19) VCF-style: chr10-82034414-C-T.
Identifiers: ClinVar variation 1968107 (VCV001968107.4), dbSNP rs1841457212, ClinGen allele CA930357276.